The following is an entry in ClinVar:

NM_198576.4(AGRN):c.5954_5955delinsAT (p.Leu1985His)

Gene: AGRN (agrin; plus strand). Cytogenetic location: 1p36.33.
Variant type: Indel.
Coding change: c.5954_5955delinsAT on transcript NM_198576.4 (MANE Select); coding-DNA positions 5954 to 5955, TG replaced by AT.
Protein change: p.Leu1985His; replaces leucine 1985 with histidine.
Molecular consequence: missense variant.
Genome position (GRCh38, 1-based): chr1:1,054,525-1,054,526, TG replaced by AT. VCF-style: chr1-1054525-TG-AT. GRCh37 (hg19) VCF-style: chr1-989905-TG-AT.
Other names: c.6023_6024delinsAT, p.Leu2008His (NM_001305275.2); c.5651_5652delinsAT, p.Leu1884His (NM_001364727.2); short protein forms L1884H, L1985H, L2008H.
Identifiers: ClinVar variation 2761607 (VCV002761607.3), dbSNP rs2522842418, ClinGen allele CA2697551993.

ClinVar aggregate classification (germline): Uncertain significance (1 of 4 stars; one submission).

Conditions:
Congenital myasthenic syndrome 8. Also called: Myasthenic syndrome, congenital, 8, with pre- and postsynaptic defects; MYASTHENIC SYNDROME, CONGENITAL, DUE TO AGRIN DEFICIENCY. Identifiers: Orphanet 590, MedGen C3808739, MONDO:0014052, OMIM 615120.

Submission:

Labcorp Genetics (formerly Invitae), Labcorp
Classification: Uncertain significance for Congenital myasthenic syndrome 8. Last evaluated: 2023-09-19. Review status: criteria provided, single submitter. Criteria: Invitae Variant Classification Sherloc (09022015). Collection method: clinical testing. Allele origin: germline.
Comment: This sequence change replaces leucine, which is neutral and non-polar, with histidine, which is basic and polar, at codon 1985 of the AGRN protein (p.Leu1985His). Information on the frequency of this variant in the gnomAD database is not available, as this variant may be reported differently in the database. This variant has not been reported in the literature in individuals affected with AGRN-related conditions. An algorithm developed to predict the effect of missense changes on protein structure and function (PolyPhen-2) suggests that this variant is likely to be disruptive. In summary, the available evidence is currently insufficient to determine the role of this variant in disease. Therefore, it has been classified as a Variant of Uncertain Significance.